The following is an entry in ClinVar:

NM_000032.5(ALAS2):c.1626G>A (p.Ala542=)

Gene: ALAS2 (5'-aminolevulinate synthase 2; minus strand). Cytogenetic location: Xp11.21.
Variant type: single nucleotide variant.
Coding change: c.1626G>A on transcript NM_000032.5 (MANE Select); coding-DNA position 1626, G replaced by A.
Protein change: p.Ala542=; no amino-acid change (alanine 542 retained).
Molecular consequence: synonymous variant.
Genome position (GRCh38, 1-based): chrX:55,009,318, C>T on the plus strand (G>A on the coding strand, the complement: ALAS2 is on the minus strand). VCF-style: chrX-55009318-C-T. GRCh37 (hg19) VCF-style: chrX-55035751-C-T.
Other names: p.Ala542=; c.1626G>A, p.Ala542= (LRG_1163t1); c.1515G>A, p.Ala505= (NM_001037967.4); c.1587G>A, p.Ala529= (NM_001037968.4).
Identifiers: ClinVar variation 368591 (VCV000368591.21), dbSNP rs6612251, ClinGen allele CA10428247.

ClinVar aggregate classification (germline): Benign. Review status: criteria provided, multiple submitters, no conflicts (2 of 4 stars). 7 submissions from 7 submitters: Benign (6). 1 of the submissions does not count toward it. Last evaluated 2026-01-31.

Conditions:
X-linked sideroblastic anemia 1. Also called: Erythroid 5-aminolevulinate synthase deficiency; X chromosome-linked sideroblastic anemia; X-linked pyridoxine-refractory sideroblastic anemia; ANEMIA, SIDEROBLASTIC, 1, PYRIDOXINE REFRACTORY; Anemia, sideroblastic, 1; Anemia, hereditary sideroblastic 1, pyridoxine refractory. Identifiers: Orphanet 75563, MedGen C4551511, MONDO:0020721, OMIM 300751. Disease mechanism: loss of function.
ALAS2-related disorder. Also called: ALAS2-related condition.

Allele frequency attached by ClinVar (database versions not stated): gnomAD exomes 0.00142 and 0.00429; ExAC 0.00762; 1000 Genomes Project 0.00954; 1000 Genomes Project 30x 0.01020; gnomAD 0.01516 and 0.01631; TOPMed 0.01731; ESP Exome Variant Server 0.01923.
gnomAD v4.1: 3,313 of 1,201,370 alleles (0.28%); highest among the groups gnomAD compares: African/African-American, 5.2%; 57 homozygotes.

Submissions (7):

Labcorp Genetics (formerly Invitae), Labcorp
Classification: Benign. Last evaluated: 2026-01-31. Review status: criteria provided, single submitter. Criteria: Invitae Variant Classification Sherloc (09022015). Collection method: clinical testing. Allele origin: germline.

ARUP Laboratories, Molecular Genetics and Genomics, ARUP Laboratories
Classification: Benign. Last evaluated: 2025-05-21. Review status: criteria provided, single submitter. Criteria: ARUP Molecular Germline Variant Investigation Process 2024. Collection method: clinical testing. Allele origin: germline.

Mayo Clinic Laboratories, Mayo Clinic
Classification: Benign. Last evaluated: 2021-09-05. Review status: criteria provided, single submitter. Criteria: ACMG Guidelines, 2015. Collection method: clinical testing. Allele origin: germline. Observed: 7 variant alleles.

Illumina Laboratory Services, Illumina
Classification: Benign for X-linked sideroblastic anemia 1. Last evaluated: 2018-01-12. Review status: criteria provided, single submitter. Criteria: ICSL Variant Classification Criteria 13 December 2019. Collection method: clinical testing. Allele origin: germline.
Comment: This variant was observed in the ICSL laboratory as part of a predisposition screen in an ostensibly healthy population. It had not been previously curated by ICSL or reported in the Human Gene Mutation Database (HGMD: prior to June 1st, 2018), and was therefore a candidate for classification through an automated scoring system. Utilizing variant allele frequency, disease prevalence and penetrance estimates, and inheritance mode, an automated score was calculated to assess if this variant is too frequent to cause the disease. Based on the score and internal cut-off values, a variant classified as benign is not then subjected to further curation. The score for this variant resulted in a classification of benign for this disease.

GeneDx
Classification: Benign. Last evaluated: 2015-03-03. Review status: criteria provided, single submitter. Criteria: GeneDx Variant Classification Process June 2021. Collection method: clinical testing. Allele origin: germline. Affected: yes.

Breakthrough Genomics
Classification: Benign. Review status: criteria provided, single submitter. Criteria: ACMG Guidelines, 2015. Collection method: not provided. Allele origin: germline. Inheritance: X-linked inheritance. Affected: yes.

PreventionGenetics, part of Exact Sciences
Classification: Benign for ALAS2-related condition. Last evaluated: 2019-07-01. Review status: no assertion criteria provided. Collection method: clinical testing. Allele origin: germline. Not counted in ClinVar's aggregate classification.
Comment: This variant is classified as benign based on ACMG/AMP sequence variant interpretation guidelines (Richards et al. 2015 PMID: 25741868, with internal and published modifications).